The following is an entry in ClinVar:

ClinVar aggregate classification (germline): Likely benign (0 of 4 stars; one submission).

Conditions:
DUSP22-related disorder. Also called: DUSP22-related condition.

Allele frequency attached by ClinVar (database versions not stated): gnomAD 0.00007; gnomAD exomes 0.00008; ESP Exome Variant Server 0.00015; ExAC 0.00016.
gnomAD v4.1: 136 of 1,614,028 alleles (0.0084%); highest among the groups gnomAD compares: Admixed American, 0.01%; no homozygotes.

Submission:

PreventionGenetics, part of Exact Sciences
Classification: Likely benign for DUSP22-related condition. Last evaluated: 2019-07-11. Review status: no assertion criteria provided. Collection method: clinical testing. Allele origin: germline.
Comment: This variant is classified as likely benign based on ACMG/AMP sequence variant interpretation guidelines (Richards et al. 2015 PMID: 25741868, with internal and published modifications).

NM_001286555.3(DUSP22):c.225C>T (p.His75=)

Gene: DUSP22 (dual specificity phosphatase 22; plus strand). Cytogenetic location: 6p25.3.
Variant type: single nucleotide variant.
Coding change: c.225C>T on transcript NM_001286555.3 (MANE Select); coding-DNA position 225, C replaced by T.
Protein change: p.His75=; no amino-acid change (histidine 75 retained).
Molecular consequence: synonymous variant. On other transcripts: non-coding transcript variant (3).
Genome position (GRCh38, 1-based): chr6:345,890, C>T. VCF-style: chr6-345890-C-T. GRCh37 (hg19) VCF-style: chr6-345890-C-T.
Other names: c.225C>T, p.His75= (NM_020185.6).
Identifiers: ClinVar variation 3041169 (VCV003041169.2), dbSNP rs369153482, ClinGen allele CA3612277.